The following is an entry in ClinVar:

ClinVar aggregate classification (germline): Uncertain significance (1 of 4 stars; one submission).

Submission:

Clinical Genomics Laboratory, Laboratory for Precision Diagnostics, University of Washington
Classification: Uncertain significance. Last evaluated: 2017-09-26. Review status: criteria provided, single submitter. Criteria: Clinical Cytogenomics Laboratory Policy on CNV Interpretation. Collection method: clinical testing. Allele origin: unknown. Affected: yes. Observed: 1 variant allele.

GRCh37/hg19 4p15.32-15.31(chr4:16834640-17818885)x3

Genes: DCAF16 (DDB1 and CUL4 associated factor 16; minus strand), FAM184B (family with sequence similarity 184 member B; minus strand), LAP3 (leucine aminopeptidase 3; plus strand), CLRN2 (clarin 2; plus strand), LDB2 (LIM domain binding 2; minus strand) and 3 more. Cytogenetic location: 4p15.32-15.31.
Variant type: copy number gain.
Change: copy number 3 (three copies instead of two) of chr4:16,834,640-17,818,885 (984.2 kb, GRCh37 coordinates, 1-based), cytogenetic band 4p15.32-15.31.
Identifiers: ClinVar variation 503587 (VCV000503587.3).